The following is an entry in ClinVar:

NM_020919.4(ALS2):c.3893del (p.Asp1298fs)

Gene: ALS2 (alsin Rho guanine nucleotide exchange factor ALS2; minus strand). Cytogenetic location: 2q33.1.
Variant type: Deletion.
Coding change: c.3893del on transcript NM_020919.4 (MANE Select); coding-DNA position 3893, one base deleted (A; older notation c.3893delA).
Protein change: p.Asp1298fs; shifts the reading frame from aspartic acid 1298.
Molecular consequence: frameshift variant.
Genome position (GRCh38, 1-based): chr2:201,715,783, T deleted on the plus strand (A on the coding strand, the reverse complement: ALS2 is on the minus strand). VCF-style (leftmost placement, unchanged base first): chr2-201715782-GT-G. GRCh37 (hg19) VCF-style: chr2-202580505-GT-G.
Other names: c.3890delA, p.Asp1297Alafs (NM_001410975.1); short protein forms D1298fs.
Identifiers: ClinVar variation 2444046 (VCV002444046.1), dbSNP rs2469724450, ClinGen allele CA2580065432.

ClinVar aggregate classification (germline): Likely pathogenic (1 of 4 stars; one submission).

Conditions:
Amyotrophic lateral sclerosis type 2, juvenile. Also called: ALS, JUVENILE; Amyotrophic lateral sclerosis type 2. Identifiers: Orphanet 300605, MedGen C1859807, MONDO:0008780, OMIM 205100.

Submission:

3billion
Classification: Likely pathogenic for Amyotrophic lateral sclerosis type 2, juvenile. Last evaluated: 2023-02-23. Review status: criteria provided, single submitter. Criteria: ACMG Guidelines, 2015. Collection method: clinical testing. Allele origin: unknown. Affected: yes.
Comment: The variant is not observed in the gnomAD v2.1.1 dataset. This variant was predicted to result in a loss or disruption of normal protein function through nonsense-mediated decay (NMD) or protein truncation. Multiple pathogenic variants are reported downstream of the variant. Therefore, this variant is classified as Likely pathogenic according to the recommendation of ACMG/AMP guideline.